The following is an entry in ClinVar:

NM_020184.4(CNNM4):c.86del (p.Leu29fs)

Gene: CNNM4 (cyclin and CBS domain divalent metal cation transport mediator 4; plus strand). Cytogenetic location: 2q11.2.
Variant type: Deletion.
Coding change: c.86del on transcript NM_020184.4 (MANE Select); coding-DNA position 86, one base deleted (T; older notation c.86delT).
Protein change: p.Leu29fs; shifts the reading frame from leucine 29.
Molecular consequence: frameshift variant.
Genome position (GRCh38, 1-based): chr2:96,761,085, T deleted. VCF-style (leftmost placement, unchanged base first): chr2-96761084-CT-C. GRCh37 (hg19) VCF-style: chr2-97426821-CT-C.
Other names: short protein forms L29fs.
Identifiers: ClinVar variation 2013699 (VCV002013699.4), dbSNP rs2469450369, ClinGen allele CA2580068327.
Genomic context (GRCh38, chr2:96,761,084, plus strand): 5'-CGCCCGGTCGGCGGACCGGCCCGCGGGCGCCTCCTCCTGGCGGCGCCGGTGCTGCTGGTG[CT>C]GCTGTGGGCGCTGGGGGCCCGGGGCCAGGGCAGCCCCCAGCAGGGCACGATCGTGGGCAT-3'

ClinVar aggregate classification (germline): Pathogenic (1 of 4 stars; one submission).

Allele frequency attached by ClinVar (database versions not stated): gnomAD exomes below 0.00001.

Submission:

Labcorp Genetics (formerly Invitae), Labcorp
Classification: Pathogenic. Last evaluated: 2022-07-03. Review status: criteria provided, single submitter. Criteria: Invitae Variant Classification Sherloc (09022015). Collection method: clinical testing. Allele origin: germline.
Comment: For these reasons, this variant has been classified as Pathogenic. This variant has not been reported in the literature in individuals affected with CNNM4-related conditions. This variant is not present in population databases (gnomAD no frequency). This sequence change creates a premature translational stop signal (p.Leu29Argfs*21) in the CNNM4 gene. It is expected to result in an absent or disrupted protein product. Loss-of-function variants in CNNM4 are known to be pathogenic (PMID: 19200525).

Literature cited by the submitters: PubMed 19200525.